The following is an entry in ClinVar:

ClinVar aggregate classification (germline): Uncertain significance (1 of 4 stars; one submission).

gnomAD v4.1: 3 of 1,606,640 alleles (0.00019%); highest among the groups gnomAD compares: Non-Finnish European, 0.00026%; no homozygotes.

Submission:

Labcorp Genetics (formerly Invitae), Labcorp
Classification: Uncertain significance. Last evaluated: 2021-05-26. Review status: criteria provided, single submitter. Criteria: Invitae Variant Classification Sherloc (09022015). Collection method: clinical testing. Allele origin: germline.
Comment: Algorithms developed to predict the effect of missense changes on protein structure and function (SIFT, PolyPhen-2, Align-GVGD) all suggest that this variant is likely to be tolerated, but these predictions have not been confirmed by published functional studies and their clinical significance is uncertain. In summary, the available evidence is currently insufficient to determine the role of this variant in disease. Therefore, it has been classified as a Variant of Uncertain Significance. This variant has not been reported in the literature in individuals with MYO3A-related conditions. This variant is not present in population databases (ExAC no frequency). This sequence change replaces isoleucine with leucine at codon 348 of the MYO3A protein (p.Ile348Leu). The isoleucine residue is weakly conserved and there is a small physicochemical difference between isoleucine and leucine.

NM_017433.5(MYO3A):c.1042A>C (p.Ile348Leu)

Gene: MYO3A (myosin IIIA; plus strand). Cytogenetic location: 10p12.1.
Variant type: single nucleotide variant.
Coding change: c.1042A>C on transcript NM_017433.5 (MANE Select); coding-DNA position 1042, A replaced by C.
Protein change: p.Ile348Leu; replaces isoleucine 348 with leucine.
Molecular consequence: missense variant.
Genome position (GRCh38, 1-based): chr10:26,067,063, A>C. VCF-style: chr10-26067063-A-C. GRCh37 (hg19) VCF-style: chr10-26355992-A-C.
Other names: short protein forms I348L.
Identifiers: ClinVar variation 1501917 (VCV001501917.8), dbSNP rs3824699, ClinGen allele CA376333685.
Genomic context (GRCh38, chr10:26,067,063, plus strand): 5'-AACTTCAACCGACCTCTAATATCCAATCTGAAGGATGTAGATGATTTAGCAACCCTAGAA[A>C]TTTTGGATGAGGTAAGAATTTCAGTTTAATTAAACTTAGACATTCCAGATGTTTTGTTAA-3'
Protein context (NP_059129.3, residues 338-358): KDVDDLATLE[Ile348Leu]LDENTVSEQL